The following is an entry in ClinVar:

NM_001374736.1(DST):c.11223A>G (p.Ser3741=)

Gene: DST (dystonin; minus strand). Cytogenetic location: 6p12.1.
Variant type: single nucleotide variant.
Coding change: c.11223A>G on transcript NM_001374736.1 (MANE Select); coding-DNA position 11223, A replaced by G.
Protein change: p.Ser3741=; no amino-acid change (serine 3741 retained).
Molecular consequence: synonymous variant. On other transcripts: intron variant (6).
Genome position (GRCh38, 1-based): chr6:56,602,966, T>C on the plus strand (A>G on the coding strand, the complement: DST is on the minus strand). VCF-style: chr6-56602966-T-C. GRCh37 (hg19) VCF-style: chr6-56467764-T-C.
Other names: c.11223A>G, p.Ser3741= (NM_001374722.1); c.10590A>G, p.Ser3530= (NM_001374729.1); c.11250A>G, p.Ser3750= (NM_001374734.1); c.5185-2745A>G (NM_001144769.5); c.4771-2745A>G (NM_001144770.2); c.4651-2745A>G (NM_001374730.1, NM_001386100.1, NM_183380.4); c.3673-2745A>G (NM_015548.5).
Identifiers: ClinVar variation 2656661 (VCV002656661.24), dbSNP rs368431299, ClinGen allele CA3868713.

ClinVar aggregate classification (germline): Likely benign (1 of 4 stars; one submission).

Allele frequency attached by ClinVar (database versions not stated): gnomAD exomes 0.00002; TOPMed 0.00002; ExAC 0.00003; gnomAD 0.00006; ESP Exome Variant Server 0.00017.
gnomAD v4.1: 40 of 1,596,350 alleles (0.0025%); highest among the groups gnomAD compares: Non-Finnish European, 0.0034%; 1 homozygote.

Submission:

CeGaT Center for Human Genetics Tuebingen
Classification: Likely benign. Last evaluated: 2023-08-01. Review status: criteria provided, single submitter. Criteria: CeGaT Center For Human Genetics Tuebingen Variant Classification Criteria Version 2. Collection method: clinical testing. Allele origin: germline. Affected: yes. Observed: 1 variant allele.
Comment: DST: BP4, BP7